The following is an entry in ClinVar:

ClinVar aggregate classification (germline): Benign/Likely benign. Review status: criteria provided, multiple submitters, no conflicts (2 of 4 stars). 6 submissions from 6 submitters: Benign (5); Likely benign (1). Last evaluated 2026-01-27.

Conditions:
DYNC1H1-related disorder. Also called: DYNC1H1-related condition; DYNC1H1-related disorders. Identifiers: MedGen CN381529.
Charcot-Marie-Tooth disease. Also called: Charcot-Marie-Tooth Neuropathy; Charcot-Marie-Tooth Hereditary Neuropathy. Identifiers: Orphanet 166, MedGen C0007959, MONDO:0015626.
Charcot-Marie-Tooth disease axonal type 2O. Also called: Charcot-Marie-Tooth disease, axonal, type 20; Charcot-Marie-Tooth Neuropathy Type 2O; CHARCOT-MARIE-TOOTH NEUROPATHY, AXONAL, TYPE 2O; CHARCOT-MARIE-TOOTH DISEASE, AXONAL, AUTOSOMAL DOMINANT, TYPE 2O. Identifiers: Orphanet 284232, MedGen C3280220, MONDO:0013644, OMIM 614228.

Allele frequency attached by ClinVar (database versions not stated): TOPMed 0.00011; 1000 Genomes Project 30x 0.00031; 1000 Genomes Project 0.00040; gnomAD exomes 0.00056 and 0.00117; ExAC 0.00092; gnomAD 0.00098 and 0.00103.

Submissions (6):

Labcorp Genetics (formerly Invitae), Labcorp
Classification: Benign for Charcot-Marie-Tooth disease axonal type 2O. Last evaluated: 2026-01-27. Review status: criteria provided, single submitter. Criteria: Invitae Variant Classification Sherloc (09022015). Collection method: clinical testing. Allele origin: germline.

PreventionGenetics, part of Exact Sciences
Classification: Benign for DYNC1H1-related condition. Last evaluated: 2025-08-05. Review status: criteria provided, single submitter. Criteria: ACMG Guidelines, 2015. Collection method: clinical testing. Allele origin: germline.
Comment: This variant is classified as benign based on ACMG/AMP sequence variant interpretation guidelines (Richards et al. 2015 PMID: 25741868, with internal and published modifications).

ARUP Laboratories, Molecular Genetics and Genomics, ARUP Laboratories
Classification: Benign. Last evaluated: 2024-06-18. Review status: criteria provided, single submitter. Criteria: ARUP Molecular Germline Variant Investigation Process 2024. Collection method: clinical testing. Allele origin: germline.

Mayo Clinic Laboratories, Mayo Clinic
Classification: Benign. Last evaluated: 2020-09-10. Review status: criteria provided, single submitter. Criteria: ACMG Guidelines, 2015. Collection method: clinical testing. Allele origin: germline. Observed: 2 variant alleles.

GeneDx
Classification: Benign. Last evaluated: 2017-01-17. Review status: criteria provided, single submitter. Criteria: GeneDx Variant Classification (06012015). Collection method: clinical testing. Allele origin: germline. Affected: yes.
Comment: This variant is considered likely benign or benign based on one or more of the following criteria: it is a conservative change, it occurs at a poorly conserved position in the protein, it is predicted to be benign by multiple in silico algorithms, and/or has population frequency not consistent with disease.

Molecular Genetics Laboratory, London Health Sciences Centre
Classification: Likely benign for Charcot-Marie-Tooth disease. Review status: criteria provided, single submitter. Criteria: ACMG Guidelines, 2015. Collection method: clinical testing. Allele origin: germline. Affected: yes.

NM_001376.5(DYNC1H1):c.11400G>A (p.Gln3800=)

Gene: DYNC1H1 (dynein cytoplasmic 1 heavy chain 1; plus strand). Cytogenetic location: 14q32.31.
Variant type: single nucleotide variant.
Coding change: c.11400G>A on transcript NM_001376.5 (MANE Select); coding-DNA position 11400, G replaced by A.
Protein change: p.Gln3800=; no amino-acid change (glutamine 3800 retained).
Molecular consequence: synonymous variant.
Genome position (GRCh38, 1-based): chr14:102,039,194, G>A. VCF-style: chr14-102039194-G-A. GRCh37 (hg19) VCF-style: chr14-102505531-G-A.
Other names: p.Gln3800=.
Identifiers: ClinVar variation 391785 (VCV000391785.16), dbSNP rs182767009, ClinGen allele CA7353581.